The following is an entry in ClinVar:

ClinVar aggregate classification (germline): Conflicting classifications of pathogenicity. Review status: criteria provided, conflicting classifications (1 of 4 stars). 2 submissions from 2 submitters: Uncertain significance (1); Likely benign (1). Last evaluated 2023-05-26.

Conditions:
Cardiovascular phenotype. Identifiers: MedGen CN230736.
Cardiomyopathy (CMYO). Also called: Cardiomyopathies. Identifiers: Orphanet 167848, MedGen C0878544, MONDO:0004994, HP:0001638. Inheritance: Various modes of inheritance.

Allele frequency attached by ClinVar (database versions not stated): gnomAD 0.00001; gnomAD exomes 0.00001; TOPMed 0.00001.
gnomAD v4.1: 4 of 1,612,960 alleles (0.00025%); highest among the groups gnomAD compares: Non-Finnish European, 0.00034%; no homozygotes.

Submissions (2):

CHEO Genetics Diagnostic Laboratory, Children's Hospital of Eastern Ontario
Classification: Likely benign for Cardiomyopathy. Last evaluated: 2023-05-26. Review status: criteria provided, single submitter. Criteria: ACMG Guidelines, 2015. Collection method: clinical testing. Allele origin: germline.

Ambry Genetics
Classification: Uncertain significance for Cardiovascular phenotype. Last evaluated: 2016-07-14. Review status: criteria provided, single submitter. Criteria: Ambry Variant Classification Scheme 2023. Collection method: clinical testing. Allele origin: germline.
Comment: The p.P14379R variant (also known as c.43136C>G), located in coding exon 153 of the TTN gene, results from a C to G substitution at nucleotide position 43136. This alteration is located in the A-band region of the N2-B isoform of the titin protein. The proline at codon 14379 is replaced by arginine, an amino acid with dissimilar properties. This variant was not reported in population based cohorts in the following databases: Database of Single Nucleotide Polymorphisms (dbSNP), Exome Aggregation Consortium (ExAC), NHLBI Exome Sequencing Project (ESP), and 1000 Genomes Project. In the ESP, this variant was not observed in 6344 samples (12688 alleles) with coverage at this position. This amino acid position is well conserved in available vertebrate species. In addition, this alteration is predicted to be tolerated by in silico analysis. Since supporting evidence is limited at this time, the clinical significance of this alteration remains unclear.

NM_001267550.2(TTN):c.70331C>G (p.Pro23444Arg)

Genes: TTN (titin; minus strand), TTN-AS1 (TTN antisense RNA 1; plus strand), LOC126806422 (BRD4-independent group 4 enhancer GRCh37_chr2:179440205-179441404; plus strand). Cytogenetic location: 2q31.2.
Variant type: single nucleotide variant.
Coding change: c.70331C>G on transcript NM_001267550.2 (MANE Select); coding-DNA position 70331, C replaced by G.
Protein change: p.Pro23444Arg; replaces proline 23444 with arginine.
Molecular consequence: missense variant.
Genome position (GRCh38, 1-based): chr2:178,575,801, G>C on the plus strand (C>G on the coding strand, the complement: TTN is on the minus strand). VCF-style: chr2-178575801-G-C. GRCh37 (hg19) VCF-style: chr2-179440528-G-C.
Other names: c.65408C>G, p.Pro21803Arg (NM_001256850.1); c.43136C>G, p.Pro14379Arg (NM_003319.4); c.62627C>G, p.Pro20876Arg (NM_133378.4); c.43511C>G, p.Pro14504Arg (NM_133432.3); c.43712C>G, p.Pro14571Arg (NM_133437.4); short protein forms P14379R, P23444R, P20876R, P14504R, P14571R, P21803R.
Identifiers: ClinVar variation 519099 (VCV000519099.6), dbSNP rs1325284144, ClinGen allele CA349663358.
Genomic context (GRCh38, chr2:178,575,801, plus strand): 5'-CCTCCATCTATCAGAGGGAGGTCCCAGTGCAGGGTGACACTGTCCTTTGTGATGTCTGTA[G>C]GCCGCAGGTTGAGGACTGGGCCTGGCGTGTCCAAGACTCTGACGTTCACAAAGCCACTTT-3'
Protein context (NP_001254479.2, residues 23434-23454): DTPGPVLNLR[Pro23444Arg]TDITKDSVTL